The following is an entry in ClinVar:

NM_001199138.2(NLRC4):c.542_543delinsCC (p.Arg181Pro)

Gene: NLRC4 (NLR family CARD domain containing 4; minus strand). Cytogenetic location: 2p22.3.
Variant type: Indel.
Coding change: c.542_543delinsCC on transcript NM_001199138.2 (MANE Select); coding-DNA positions 542 to 543, GA replaced by CC.
Protein change: p.Arg181Pro; replaces arginine 181 with proline.
Molecular consequence: missense variant. On other transcripts: intron variant (1).
Genome position (GRCh38, 1-based): chr2:32,251,321-32,251,322, TC replaced by GG on the plus strand (GA replaced by CC on the coding strand, the reverse complement: NLRC4 is on the minus strand). VCF-style: chr2-32251321-TC-GG. GRCh37 (hg19) VCF-style: chr2-32476390-TC-GG.
Other names: c.542_543delGAinsCC, p.Arg181Pro (NM_001199139.2, NM_021209.5); c.262+1097_262+1098delinsCC (NM_001302504.1); short protein forms R181P.
Identifiers: ClinVar variation 2091429 (VCV002091429.4), dbSNP rs2148943042, ClinGen allele CA2580066398.

ClinVar aggregate classification (germline): Uncertain significance (1 of 4 stars; one submission).

Conditions:
Periodic fever-infantile enterocolitis-autoinflammatory syndrome. Also called: Autoinflammation with infantile enterocolitis. Identifiers: Orphanet 436166, MedGen C4015067, MONDO:0014472, OMIM 616050.
Familial cold autoinflammatory syndrome 4 (FCAS4). Identifiers: Orphanet 47045, Orphanet 576349, MedGen C4015276, MONDO:0014498, OMIM 616115.

Submission:

Labcorp Genetics (formerly Invitae), Labcorp
Classification: Uncertain significance for Periodic fever-infantile enterocolitis-autoinflammatory syndrome; Familial cold autoinflammatory syndrome 4. Last evaluated: 2024-03-04. Review status: criteria provided, single submitter. Criteria: Invitae Variant Classification Sherloc (09022015). Collection method: clinical testing. Allele origin: germline.
Comment: This sequence change replaces arginine, which is basic and polar, with proline, which is neutral and non-polar, at codon 181 of the NLRC4 protein (p.Arg181Pro). The frequency data for this variant in the population databases is considered unreliable, as metrics indicate poor data quality at this position in the gnomAD database. This variant has not been reported in the literature in individuals affected with NLRC4-related conditions. ClinVar contains an entry for this variant (Variation ID: 2091429). An algorithm developed to predict the effect of missense changes on protein structure and function (PolyPhen-2) suggests that this variant is likely to be disruptive. In summary, the available evidence is currently insufficient to determine the role of this variant in disease. Therefore, it has been classified as a Variant of Uncertain Significance.